The following is an entry in ClinVar:

NM_004727.3(SLC24A1):c.1776C>T (p.Ala592=)

Gene: SLC24A1 (solute carrier family 24 member 1; plus strand). Cytogenetic location: 15q22.31.
Variant type: single nucleotide variant.
Coding change: c.1776C>T on transcript NM_004727.3 (MANE Select); coding-DNA position 1776, C replaced by T.
Protein change: p.Ala592=; no amino-acid change (alanine 592 retained).
Molecular consequence: synonymous variant.
Genome position (GRCh38, 1-based): chr15:65,625,856, C>T. VCF-style: chr15-65625856-C-T. GRCh37 (hg19) VCF-style: chr15-65918194-C-T.
Other names: c.1776C>T, p.Ala592= (NM_001301031.1, NM_001301032.1, NM_001301033.2); c.1776C>T (NM_004727.2).
Identifiers: ClinVar variation 1083153 (VCV001083153.11), dbSNP rs374148087, ClinGen allele CA7619969.
Genomic context (GRCh38, chr15:65,625,856, plus strand): 5'-CATCCTCTTCTTCCTGGACAGCCTCATTGCCTGGTGGGAGAGCCTGCTGCTGCTGCTGGC[C>T]TATGCCTTCTATGTGTTCACCATGAAGTGGAACAAGCATATCGAGGTCTGGGTGAAGGAG-3'
Protein context (NP_004718.1, residues 582-602): AWWESLLLLL[Ala592=]YAFYVFTMKW

ClinVar aggregate classification (germline): Likely benign. Review status: criteria provided, multiple submitters, no conflicts (2 of 4 stars). 3 submissions from 3 submitters: Likely benign (2). 1 of the submissions does not count toward it. Last evaluated 2025-12-22.

Conditions:
SLC24A1-related disorder. Also called: SLC24A1-related condition.

Allele frequency attached by ClinVar (database versions not stated): ExAC 0.00007; gnomAD exomes 0.00007 and 0.00015; ESP Exome Variant Server 0.00008; gnomAD 0.00014 and 0.00016; TOPMed 0.00015.
gnomAD v4.1: 245 of 1,614,000 alleles (0.015%); highest among the groups gnomAD compares: Non-Finnish European, 0.019%; no homozygotes.

Submissions (3):

Labcorp Genetics (formerly Invitae), Labcorp
Classification: Likely benign. Last evaluated: 2025-12-22. Review status: criteria provided, single submitter. Criteria: Invitae Variant Classification Sherloc (09022015). Collection method: clinical testing. Allele origin: germline.

Blueprint Genetics
Classification: Likely benign. Last evaluated: 2024-09-16. Review status: criteria provided, single submitter. Criteria: ACMG Guidelines, 2015. Collection method: clinical testing. Allele origin: germline.

PreventionGenetics, part of Exact Sciences
Classification: Likely benign for SLC24A1-related condition. Last evaluated: 2024-09-20. Review status: no assertion criteria provided. Collection method: clinical testing. Allele origin: germline. Not counted in ClinVar's aggregate classification.
Comment: This variant is classified as likely benign based on ACMG/AMP sequence variant interpretation guidelines (Richards et al. 2015 PMID: 25741868, with internal and published modifications).